The following is an entry in ClinVar:

ClinVar aggregate classification (germline): Uncertain significance. Review status: criteria provided, multiple submitters, no conflicts (2 of 4 stars). 2 submissions from 2 submitters: Uncertain significance (2). Last evaluated 2024-04-16.

Conditions:
Inborn genetic diseases. Identifiers: MedGen C0950123, MeSH D030342.

Allele frequency attached by ClinVar (database versions not stated): ExAC 0.00002; gnomAD 0.00002; gnomAD exomes 0.00002; TOPMed 0.00002; ESP Exome Variant Server 0.00008.
gnomAD v4.1: 31 of 1,613,772 alleles (0.0019%); highest among the groups gnomAD compares: South Asian, 0.0055%; no homozygotes.

Submissions (2):

Labcorp Genetics (formerly Invitae), Labcorp
Classification: Uncertain significance. Last evaluated: 2024-04-16. Review status: criteria provided, single submitter. Criteria: Invitae Variant Classification Sherloc (09022015). Collection method: clinical testing. Allele origin: germline.
Comment: This sequence change replaces arginine, which is basic and polar, with histidine, which is basic and polar, at codon 1886 of the NBAS protein (p.Arg1886His). This variant is present in population databases (rs370106017, gnomAD 0.002%). This variant has not been reported in the literature in individuals affected with NBAS-related conditions. ClinVar contains an entry for this variant (Variation ID: 1958373). Advanced modeling of protein sequence and biophysical properties (such as structural, functional, and spatial information, amino acid conservation, physicochemical variation, residue mobility, and thermodynamic stability) performed at Invitae indicates that this missense variant is not expected to disrupt NBAS protein function with a negative predictive value of 95%. In summary, the available evidence is currently insufficient to determine the role of this variant in disease. Therefore, it has been classified as a Variant of Uncertain Significance.

Ambry Genetics
Classification: Uncertain significance for Inborn genetic diseases. Last evaluated: 2023-06-02. Review status: criteria provided, single submitter. Criteria: Ambry Variant Classification Scheme 2023. Collection method: clinical testing. Allele origin: germline.

NM_015909.4(NBAS):c.5657G>A (p.Arg1886His)

Gene: NBAS (NBAS subunit of NRZ tethering complex; minus strand). Cytogenetic location: 2p24.3.
Variant type: single nucleotide variant.
Coding change: c.5657G>A on transcript NM_015909.4 (MANE Select); coding-DNA position 5657, G replaced by A.
Protein change: p.Arg1886His; replaces arginine 1886 with histidine.
Molecular consequence: missense variant. On other transcripts: non-coding transcript variant (1).
Genome position (GRCh38, 1-based): chr2:15,275,551, C>T on the plus strand (G>A on the coding strand, the complement: NBAS is on the minus strand). VCF-style: chr2-15275551-C-T. GRCh37 (hg19) VCF-style: chr2-15415675-C-T.
Other names: c.5657G>A (NM_015909.2); short protein forms R1886H.
Identifiers: ClinVar variation 1958373 (VCV001958373.5), dbSNP rs370106017, ClinGen allele CA1535252.
Genomic context (GRCh38, chr2:15,275,551, plus strand): 5'-ACAGCTTTTGGAGAAAATGTAACTGCATCTACCACAGTGATGAGGTCACCTGGGTGGAGA[C>T]GATCAAAGTACTTCATGCAGACATCATAGGCATGAAGCCACTCCGGTGAAGAGCCTGGGA-3'
Protein context (NP_056993.2, residues 1876-1896): AYDVCMKYFD[Arg1886His]LHPGDLITVV